The following is an entry in ClinVar:

NM_205768.3(ZBTB18):c.598T>C (p.Ser200Pro)

Gene: ZBTB18 (zinc finger and BTB domain containing 18; plus strand). Cytogenetic location: 1q44.
Variant type: single nucleotide variant.
Coding change: c.598T>C on transcript NM_205768.3 (MANE Select); coding-DNA position 598, T replaced by C.
Protein change: p.Ser200Pro; replaces serine 200 with proline.
Molecular consequence: missense variant.
Genome position (GRCh38, 1-based): chr1:244,054,372, T>C. VCF-style: chr1-244054372-T-C. GRCh37 (hg19) VCF-style: chr1-244217674-T-C.
Other names: c.571T>C, p.Ser191Pro (NM_001278196.2, NM_006352.5); c.598T>C, p.Ser200Pro (NM_001421566.1); short protein forms S191P, S200P.
Identifiers: ClinVar variation 3698201 (VCV003698201.2).

ClinVar aggregate classification (germline): Uncertain significance (1 of 4 stars; one submission).

gnomAD v4.1: 2 of 1,614,132 alleles (0.00012%); highest among the groups gnomAD compares: East Asian, 0.0045%; no homozygotes.

Submission:

Labcorp Genetics (formerly Invitae), Labcorp
Classification: Uncertain significance. Last evaluated: 2024-08-04. Review status: criteria provided, single submitter. Criteria: Invitae Variant Classification Sherloc (09022015). Collection method: clinical testing. Allele origin: germline.
Comment: This sequence change replaces serine, which is neutral and polar, with proline, which is neutral and non-polar, at codon 200 of the ZBTB18 protein (p.Ser200Pro). This variant is present in population databases (no rsID available, gnomAD 0.006%). This variant has not been reported in the literature in individuals affected with ZBTB18-related conditions. Advanced modeling of protein sequence and biophysical properties (such as structural, functional, and spatial information, amino acid conservation, physicochemical variation, residue mobility, and thermodynamic stability) performed at Invitae indicates that this missense variant is not expected to disrupt ZBTB18 protein function with a negative predictive value of 95%. In summary, the available evidence is currently insufficient to determine the role of this variant in disease. Therefore, it has been classified as a Variant of Uncertain Significance.